The following is an entry in ClinVar:

ClinVar aggregate classification (germline): Uncertain significance (1 of 4 stars; one submission).

Conditions:
Familial adenomatous polyposis 1 (FAP1). Also called: FAMILIAL ADENOMATOUS POLYPOSIS 1, ATTENUATED; POLYPOSIS, ADENOMATOUS INTESTINAL. Identifiers: MedGen C2713442, MONDO:0021056, OMIM 175100. Disease mechanism: loss of function.

gnomAD v4.1: 1 of 1,295,594 alleles (0.000077%); highest among the groups gnomAD compares: Non-Finnish European, 0.0001%; no homozygotes.

Submission:

Labcorp Genetics (formerly Invitae), Labcorp
Classification: Uncertain significance for Familial adenomatous polyposis 1. Last evaluated: 2024-05-21. Review status: criteria provided, single submitter. Criteria: Invitae Variant Classification Sherloc (09022015). Collection method: clinical testing. Allele origin: germline.
Comment: This variant occurs in a non-coding region of the APC gene. It does not change the encoded amino acid sequence of the APC protein. This variant is not present in population databases (gnomAD no frequency). This variant has not been reported in the literature in individuals affected with APC-related conditions. Experimental studies and prediction algorithms are not available or were not evaluated, and the functional significance of this variant is currently unknown. In summary, the available evidence is currently insufficient to determine the role of this variant in disease. Therefore, it has been classified as a Variant of Uncertain Significance.

NM_001127511.3(APC):c.-95C>G

Gene: APC (APC regulator of Wnt signaling pathway; plus strand). Cytogenetic location: 5q22.2.
Variant type: single nucleotide variant.
Coding change: c.-95C>G on transcript NM_001127511.3; 95 bases upstream of the start codon, C replaced by G.
Molecular consequence: 5 prime UTR variant. On other transcripts: non-coding transcript variant (2).
Genome position (GRCh38, 1-based): chr5:112,707,623, C>G. VCF-style: chr5-112707623-C-G. GRCh37 (hg19) VCF-style: chr5-112043320-C-G.
Other names: c.-278C>G (NM_001354895.2, NM_001407447.1, NM_001407452.1 and 3 more transcripts); c.-95C>G (NM_001354897.2, NM_001354902.2, NM_001407446.1); c.-45C>G (NM_001407448.1, NM_001407450.1, NM_001407457.1 and 1 more transcripts); c.-69C>G (NM_001407453.1); c.-1313C>G (NM_001407470.1, NM_001407472.1).
Identifiers: ClinVar variation 1519929 (VCV001519929.6), dbSNP rs2149629847, ClinGen allele CA2573138786.